The following is an entry in ClinVar:

ClinVar aggregate classification (germline): Uncertain significance (1 of 4 stars; one submission).

Conditions:
Long QT syndrome (LQTS). Identifiers: MedGen C0023976, MeSH D008133, MONDO:0002442. Disease mechanism: loss of function. Inheritance: Various modes of inheritance.

Submission:

Labcorp Genetics (formerly Invitae), Labcorp
Classification: Uncertain significance for Long QT syndrome. Last evaluated: 2025-12-08. Review status: criteria provided, single submitter. Criteria: Invitae Variant Classification Sherloc (09022015). Collection method: clinical testing. Allele origin: germline.
Comment: This sequence change replaces leucine, which is neutral and non-polar, with valine, which is neutral and non-polar, at codon 1743 of the ANK2 protein (p.Leu1743Val). This variant is not present in population databases (gnomAD no frequency). This variant has not been reported in the literature in individuals affected with ANK2-related conditions. ClinVar contains an entry for this variant (Variation ID: 2715567). An algorithm developed to predict the effect of missense changes on protein structure and function (PolyPhen-2) suggests that this variant is likely to be tolerated. In summary, the available evidence is currently insufficient to determine the role of this variant in disease. Therefore, it has been classified as a Variant of Uncertain Significance.

NM_001148.6(ANK2):c.5227T>G (p.Leu1743Val)

Genes: ANK2 (ankyrin 2; plus strand), LOC126807136 (MED14-independent group 3 enhancer GRCh37_chr4:114274931-114276130; plus strand). Cytogenetic location: 4q26.
Variant type: single nucleotide variant.
Coding change: c.5227T>G on transcript NM_001148.6 (MANE Select); coding-DNA position 5227, T replaced by G.
Protein change: p.Leu1743Val; replaces leucine 1743 with valine.
Molecular consequence: missense variant. On other transcripts: intron variant (68).
Genome position (GRCh38, 1-based): chr4:113,353,845, T>G. VCF-style: chr4-113353845-T-G. GRCh37 (hg19) VCF-style: chr4-114275001-T-G.
Other names: c.4993T>G, p.Leu1665Val (NM_001386142.1); c.1627T>G, p.Leu543Val (NM_001386166.1); c.5368T>G, p.Leu1790Val (NM_001386174.1); c.5344T>G, p.Leu1782Val (NM_001386175.1); c.4411+3596T>G (NM_001386186.2, NM_001386148.2); c.4213+3596T>G (NM_001354269.3); c.4291+3596T>G (NM_001386187.2); c.4252+3596T>G (NM_001386147.1); and 35 more; short protein forms L1665V, L1743V, L1790V, L543V, L1782V.
Identifiers: ClinVar variation 2715567 (VCV002715567.3), dbSNP rs2505319003, ClinGen allele CA357918400.
Genomic context (GRCh38, chr4:113,353,845, plus strand): 5'-GCAGAGAAAGCTGAACTTAAAAAAGGTAGTTCAGAAGAGTCATTAGGTGAAGACCCAGGT[T>G]TAGCCCCTGAACCCCTTCCCACTGTCAAGGCCACATCTCCTTTGATAGAAGAAACTCCCA-3'
Protein context (NP_001139.3, residues 1733-1753): SEESLGEDPG[Leu1743Val]APEPLPTVKA